The following is an entry in ClinVar:

NM_001031710.3(KLHL7):c.1622G>A (p.Arg541Gln)

Gene: KLHL7 (kelch like family member 7; plus strand). Cytogenetic location: 7p15.3.
Variant type: single nucleotide variant.
Coding change: c.1622G>A on transcript NM_001031710.3 (MANE Select); coding-DNA position 1622, G replaced by A.
Protein change: p.Arg541Gln; replaces arginine 541 with glutamine.
Molecular consequence: missense variant. On other transcripts: non-coding transcript variant (1).
Genome position (GRCh38, 1-based): chr7:23,174,159, G>A. VCF-style: chr7-23174159-G-A. GRCh37 (hg19) VCF-style: chr7-23213778-G-A.
Other names: c.1478G>A, p.Arg493Gln (NM_018846.5); short protein forms R541Q, R493Q.
Identifiers: ClinVar variation 972189 (VCV000972189.9), dbSNP rs1785239119, ClinGen allele CA366982667.

ClinVar aggregate classification (germline): Uncertain significance (1 of 4 stars; one submission).

Allele frequency attached by ClinVar (database versions not stated): gnomAD exomes below 0.00001.

Submission:

Labcorp Genetics (formerly Invitae), Labcorp
Classification: Uncertain significance. Last evaluated: 2019-10-17. Review status: criteria provided, single submitter. Criteria: Invitae Variant Classification Sherloc (09022015). Collection method: clinical testing. Allele origin: germline.
Comment: In summary, the available evidence is currently insufficient to determine the role of this variant in disease. Therefore, it has been classified as a Variant of Uncertain Significance. Algorithms developed to predict the effect of missense changes on protein structure and function (SIFT, PolyPhen-2, Align-GVGD) all suggest that this variant is likely to be disruptive, but these predictions have not been confirmed by published functional studies and their clinical significance is uncertain. This variant has not been reported in the literature in individuals with KLHL7-related conditions. This variant is not present in population databases (ExAC no frequency). This sequence change replaces arginine with glutamine at codon 541 of the KLHL7 protein (p.Arg541Gln). The arginine residue is highly conserved and there is a small physicochemical difference between arginine and glutamine.